The following is an entry in ClinVar:

NM_144773.4(PROKR2):c.1057C>T (p.Arg353Cys)

Gene: PROKR2 (prokineticin receptor 2; minus strand). Cytogenetic location: 20p12.3.
Variant type: single nucleotide variant.
Coding change: c.1057C>T on transcript NM_144773.4 (MANE Select); coding-DNA position 1057, C replaced by T.
Protein change: p.Arg353Cys; replaces arginine 353 with cysteine.
Molecular consequence: missense variant.
Genome position (GRCh38, 1-based): chr20:5,302,138, G>A on the plus strand (C>T on the coding strand, the complement: PROKR2 is on the minus strand). VCF-style: chr20-5302138-G-A. GRCh37 (hg19) VCF-style: chr20-5282784-G-A.
Other names: short protein forms R353C.
Identifiers: ClinVar variation 3723698 (VCV003723698.2).

ClinVar aggregate classification (germline): Uncertain significance (1 of 4 stars; one submission).

gnomAD v4.1: 8 of 1,614,064 alleles (0.0005%); highest among the groups gnomAD compares: Admixed American, 0.0033%; no homozygotes.

Submission:

Labcorp Genetics (formerly Invitae), Labcorp
Classification: Uncertain significance. Last evaluated: 2024-05-14. Review status: criteria provided, single submitter. Criteria: Invitae Variant Classification Sherloc (09022015). Collection method: clinical testing. Allele origin: germline.
Comment: This sequence change replaces arginine, which is basic and polar, with cysteine, which is neutral and slightly polar, at codon 353 of the PROKR2 protein (p.Arg353Cys). This variant is present in population databases (no rsID available, gnomAD 0.0009%). This missense change has been observed in individual(s) with Kallmann syndrome and/or pituitary stalk interruption syndrome (PMID: 26956854, 36138264). This variant is also known as p.R353G. Advanced modeling of protein sequence and biophysical properties (such as structural, functional, and spatial information, amino acid conservation, physicochemical variation, residue mobility, and thermodynamic stability) performed at Invitae indicates that this missense variant is not expected to disrupt PROKR2 protein function with a negative predictive value of 80%. In summary, the available evidence is currently insufficient to determine the role of this variant in disease. Therefore, it has been classified as a Variant of Uncertain Significance.

Literature cited by the submitters: PubMed 26956854; PubMed 36138264.